The following is an entry in ClinVar:

ClinVar aggregate classification (germline): Conflicting classifications of pathogenicity. Review status: criteria provided, conflicting classifications (1 of 4 stars). 5 submissions from 5 submitters: Uncertain significance (4); Likely benign (1). Last evaluated 2025-09-02.

Conditions:
Inborn genetic diseases. Identifiers: MedGen C0950123, MeSH D030342.
Atypical hemolytic-uremic syndrome with thrombomodulin anomaly. Also called: HEMOLYTIC UREMIC SYNDROME, ATYPICAL, SUSCEPTIBILITY TO, 6; AHUS, SUSCEPTIBILITY TO, 6. Identifiers: MedGen C2752036, MONDO:0013044, OMIM 612926. Disease mechanism: gain of function.

Allele frequency attached by ClinVar (database versions not stated): gnomAD 0.00001; TOPMed 0.00002; gnomAD exomes 0.00004; ExAC 0.00005; ESP Exome Variant Server 0.00015.
gnomAD v4.1: 81 of 1,599,578 alleles (0.0051%); highest among the groups gnomAD compares: Non-Finnish European, 0.0068%; no homozygotes.

Submissions (5):

Labcorp Genetics (formerly Invitae), Labcorp
Classification: Uncertain significance. Last evaluated: 2025-09-02. Review status: criteria provided, single submitter. Criteria: Invitae Variant Classification Sherloc (09022015). Collection method: clinical testing. Allele origin: germline.
Comment: This sequence change replaces serine, which is neutral and polar, with leucine, which is neutral and non-polar, at codon 307 of the THBD protein (p.Ser307Leu). This variant is present in population databases (rs372556297, gnomAD 0.01%). This variant has not been reported in the literature in individuals affected with THBD-related conditions. ClinVar contains an entry for this variant (Variation ID: 337888). Invitae Evidence Modeling of protein sequence and biophysical properties (such as structural, functional, and spatial information, amino acid conservation, physicochemical variation, residue mobility, and thermodynamic stability) indicates that this missense variant is not expected to disrupt THBD protein function with a negative predictive value of 80%. In summary, the available evidence is currently insufficient to determine the role of this variant in disease. Therefore, it has been classified as a Variant of Uncertain Significance.

Mayo Clinic Laboratories, Mayo Clinic
Classification: Uncertain significance. Last evaluated: 2025-02-01. Review status: criteria provided, single submitter. Criteria: ACMG Guidelines, 2015. Collection method: clinical testing. Allele origin: germline. Observed: 1 variant allele.

Blueprint Genetics
Classification: Uncertain significance. Last evaluated: 2024-10-25. Review status: criteria provided, single submitter. Criteria: ACMG Guidelines, 2015. Collection method: clinical testing. Allele origin: germline.

Ambry Genetics
Classification: Uncertain significance for Inborn genetic diseases. Last evaluated: 2023-08-10. Review status: criteria provided, single submitter. Criteria: Ambry Variant Classification Scheme 2023. Collection method: clinical testing. Allele origin: germline.

Illumina Laboratory Services, Illumina
Classification: Likely benign for Atypical hemolytic-uremic syndrome with thrombomodulin anomaly. Last evaluated: 2018-01-13. Review status: criteria provided, single submitter. Criteria: ICSL Variant Classification Criteria 13 December 2019. Collection method: clinical testing. Allele origin: germline.
Comment: This variant was observed in the ICSL laboratory as part of a predisposition screen in an ostensibly healthy population. It had not been previously curated by ICSL or reported in the Human Gene Mutation Database (HGMD: prior to June 1st, 2018), and was therefore a candidate for classification through an automated scoring system. Utilizing variant allele frequency, disease prevalence and penetrance estimates, and inheritance mode, an automated score was calculated to assess if this variant is too frequent to cause the disease. Based on the score and internal cut-off values, a variant classified as likely benign is not then subjected to further curation. The score for this variant resulted in a classification of likely benign for this disease.

NM_000361.3(THBD):c.920C>T (p.Ser307Leu)

Gene: THBD (thrombomodulin; minus strand). Cytogenetic location: 20p11.21.
Variant type: single nucleotide variant.
Coding change: c.920C>T on transcript NM_000361.3 (MANE Select); coding-DNA position 920, C replaced by T.
Protein change: p.Ser307Leu; replaces serine 307 with leucine.
Molecular consequence: missense variant.
Genome position (GRCh38, 1-based): chr20:23,048,585, G>A on the plus strand (C>T on the coding strand, the complement: THBD is on the minus strand). VCF-style: chr20-23048585-G-A. GRCh37 (hg19) VCF-style: chr20-23029222-G-A.
Other names: p.Ser307Leu; short protein forms S307L.
Identifiers: ClinVar variation 337888 (VCV000337888.14), dbSNP rs372556297, ClinGen allele CA9787661.
Genomic context (GRCh38, chr20:23,048,585, plus strand): 5'-TCCACGTCCTCGCACCGGTGTTGGTCGGCCGCCAGCCGGTAGCCGGTCTCGCACATGCAC[G>A]AGTAGGAGCCCGGCTGGTCGGGGTTGGGAACGCAGAAGTGCTCGCAGAGGTCGTTGCAGG-3'
Protein context (NP_000352.1, residues 297-317): VPNPDQPGSY[Ser307Leu]CMCETGYRLA